The following is an entry in ClinVar:

ClinVar aggregate classification (germline): Uncertain significance. Review status: criteria provided, multiple submitters, no conflicts (2 of 4 stars). 4 submissions from 4 submitters: Uncertain significance (3). 1 of the submissions does not count toward it. Last evaluated 2026-07-01.

Conditions:
Inborn genetic diseases. Identifiers: MedGen C0950123, MeSH D030342.
PCNT-related disorder. Also called: PCNT-related condition.

gnomAD v4.1: 47 of 1,606,114 alleles (0.0029%); highest among the groups gnomAD compares: Non-Finnish European, 0.0037%; no homozygotes.

Submissions (4):

CeGaT Center for Human Genetics Tuebingen
Classification: Uncertain significance. Last evaluated: 2026-07-01. Review status: criteria provided, single submitter. Criteria: CeGaT Center For Human Genetics Tuebingen Variant Classification Criteria Version 2. Collection method: clinical testing. Allele origin: germline. Affected: yes. Observed: 1 variant allele.
Comment: PCNT: PM2

GeneDx
Classification: Uncertain significance. Last evaluated: 2025-05-06. Review status: criteria provided, single submitter. Criteria: GeneDx Variant Classification Process June 2021. Collection method: clinical testing. Allele origin: germline. Affected: yes.
Comment: Has not been previously published as pathogenic or benign to our knowledge; Not observed at significant frequency in large population cohorts (gnomAD); In silico analysis supports that this missense variant has a deleterious effect on protein structure/function; Additionally, in silico analysis suggests this variant may impact gene splicing. In the absence of RNA/functional studies, the actual effect of this sequence change is unknown.; Missense variant in a gene in which most reported pathogenic variants are truncating/loss of function

Ambry Genetics
Classification: Uncertain significance for Inborn genetic diseases. Last evaluated: 2024-08-19. Review status: criteria provided, single submitter. Criteria: Ambry Variant Classification Scheme 2023. Collection method: clinical testing. Allele origin: germline.

PreventionGenetics, part of Exact Sciences
Classification: Uncertain significance for PCNT-related condition. Last evaluated: 2024-06-23. Review status: no assertion criteria provided. Collection method: clinical testing. Allele origin: germline. Not counted in ClinVar's aggregate classification.
Comment: The PCNT c.6672G>C variant is predicted to result in the amino acid substitution p.Trp2224Cys. To our knowledge, this variant has not been reported in the literature. This variant is reported in 0.0064% of alleles in individuals of European (Non-Finnish) descent in gnomAD. At this time, the clinical significance of this variant is uncertain due to the absence of conclusive functional and genetic evidence.

NM_006031.6(PCNT):c.6672G>C (p.Trp2224Cys)

Gene: PCNT (pericentrin; plus strand). Cytogenetic location: 21q22.3.
Variant type: single nucleotide variant.
Coding change: c.6672G>C on transcript NM_006031.6 (MANE Select); coding-DNA position 6672, G replaced by C.
Protein change: p.Trp2224Cys; replaces tryptophan 2224 with cysteine.
Molecular consequence: missense variant.
Genome position (GRCh38, 1-based): chr21:46,416,590, G>C. VCF-style: chr21-46416590-G-C. GRCh37 (hg19) VCF-style: chr21-47836504-G-C.
Other names: c.6318G>C, p.Trp2106Cys (NM_001315529.2); short protein forms W2106C, W2224C.
Identifiers: ClinVar variation 3351349 (VCV003351349.4).